The following is an entry in ClinVar:

NM_001206999.2(CIT):c.2707-7_2707-6del

Gene: CIT (citron rho-interacting serine/threonine kinase; minus strand). Cytogenetic location: 12q24.23.
Variant type: Deletion.
Coding change: c.2707-7_2707-6del on transcript NM_001206999.2 (MANE Select); 7 bases into the intron before coding-DNA position 2707 through 6 bases into the intron before coding-DNA position 2707, 2 bases deleted (GT; older notation c.2707-7_2707-6delGT).
Molecular consequence: intron variant.
Genome position (GRCh38, 1-based): chr12:119,752,253-119,752,254, AC deleted on the plus strand (GT on the coding strand, the reverse complement: CIT is on the minus strand); deleting any 2 consecutive bases within chr12:119,752,253-119,752,255 gives the same sequence; the c. name uses the placement nearest the transcript's 3' end. VCF-style (leftmost placement, unchanged base first): chr12-119752252-GAC-G. GRCh37 (hg19) VCF-style: chr12-120190057-GAC-G.
Other names: c.2707-7_2707-6delGT (NM_001206999.1); c.2581-7_2581-6del (NM_007174.3).
Identifiers: ClinVar variation 2070357 (VCV002070357.6), dbSNP rs199767013, ClinGen allele CA6821698.

ClinVar aggregate classification (germline): Benign. Review status: criteria provided, single submitter (1 of 4 stars). 2 submissions from 2 submitters: Benign (1). 1 of the submissions does not count toward it. Last evaluated 2022-03-01.

Conditions:
CIT-related disorder. Also called: CIT-related condition.

Submissions (2):

Labcorp Genetics (formerly Invitae), Labcorp
Classification: Benign. Last evaluated: 2022-03-01. Review status: criteria provided, single submitter. Criteria: Invitae Variant Classification Sherloc (09022015). Collection method: clinical testing. Allele origin: germline.

PreventionGenetics, part of Exact Sciences
Classification: Likely benign for CIT-related condition. Last evaluated: 2019-03-20. Review status: no assertion criteria provided. Collection method: clinical testing. Allele origin: germline. Not counted in ClinVar's aggregate classification.
Comment: This variant is classified as likely benign based on ACMG/AMP sequence variant interpretation guidelines (Richards et al. 2015 PMID: 25741868, with internal and published modifications).